The following is an entry in ClinVar:

ClinVar aggregate classification (germline): Likely benign (1 of 4 stars; one submission).

Submission:

Women's Health and Genetics/Laboratory Corporation of America, LabCorp
Classification: Likely benign. Last evaluated: 2025-01-15. Review status: criteria provided, single submitter. Criteria: LabCorp Variant Classification Summary - May 2015. Collection method: clinical testing. Allele origin: germline.
Comment: Variant summary: MYH14 c.1922-2001C>T is located at a position not widely known to affect splicing. Consensus agreement among computation tools predict no significant impact on normal splicing. However, these predictions have yet to be confirmed by functional studies. The variant was absent in 153834 control chromosomes. The available data on variant occurrences in the general population are insufficient to allow any conclusion about variant significance. To our knowledge, no occurrence of c.1922-2001C>T in individuals affected with Autosomal dominant nonsyndromic hearing loss 4A and no experimental evidence demonstrating its impact on protein function have been reported. No submitters have cited clinical-significance assessments for this variant to ClinVar. Based on the evidence outlined above, the variant was classified as likely benign.

NM_001145809.2(MYH14):c.2024C>T (p.Ser675Phe)

Gene: MYH14 (myosin heavy chain 14; plus strand). Cytogenetic location: 19q13.33.
Variant type: single nucleotide variant.
Coding change: c.2024C>T on transcript NM_001145809.2 (MANE Select); coding-DNA position 2024, C replaced by T.
Protein change: p.Ser675Phe; replaces serine 675 with phenylalanine.
Molecular consequence: missense variant. On other transcripts: intron variant (2).
Genome position (GRCh38, 1-based): chr19:50,255,298, C>T. VCF-style: chr19-50255298-C-T. GRCh37 (hg19) VCF-style: chr19-50758555-C-T.
Other names: c.1946-2001C>T (NM_001077186.2); c.1922-2001C>T (NM_024729.4); short protein forms S675F.
Identifiers: ClinVar variation 3769092 (VCV003769092.2).